The following is an entry in ClinVar:

NM_170707.4(LMNA):c.674G>C (p.Arg225Pro)

Gene: LMNA (lamin A/C; plus strand). Cytogenetic location: 1q22.
Variant type: single nucleotide variant.
Coding change: c.674G>C on transcript NM_170707.4 (MANE Select); coding-DNA position 674, G replaced by C.
Protein change: p.Arg225Pro; replaces arginine 225 with proline.
Molecular consequence: missense variant.
Genome position (GRCh38, 1-based): chr1:156,134,839, G>C. VCF-style: chr1-156134839-G-C. GRCh37 (hg19) VCF-style: chr1-156104630-G-C.
Other names: c.338G>C, p.Arg113Pro (NM_001257374.3, NM_001406989.1, NM_001406998.1); c.431G>C, p.Arg144Pro (NM_001282624.2, NM_001406986.1, NM_001406987.1); c.674G>C, p.Arg225Pro (NM_001282625.2, NM_001282626.2, NM_001406983.1 and 6 more transcripts); c.377G>C, p.Arg126Pro (NM_001406988.1); c.116G>C, p.Arg39Pro (NM_001406990.1, NM_001406993.1, NM_001406995.1 and 4 more transcripts); c.10G>C, p.Asp4His (NM_001406994.1, NM_001406999.1, NM_001407000.1 and 1 more transcripts); short protein forms D4H, R113P, R126P, R144P, R225P, R39P.
Identifiers: ClinVar variation 2413543 (VCV002413543.6), dbSNP rs199474724, ClinGen allele CA342817173.

ClinVar aggregate classification (germline): Likely pathogenic (1 of 4 stars; one submission).

Conditions:
Charcot-Marie-Tooth disease type 2. Also called: Charcot-Marie-Tooth type 2. Identifiers: Orphanet 64746, MedGen C0270914, MONDO:0018993.

Submission:

Labcorp Genetics (formerly Invitae), Labcorp
Classification: Likely pathogenic for Charcot-Marie-Tooth disease type 2. Last evaluated: 2022-11-29. Review status: criteria provided, single submitter. Criteria: Invitae Variant Classification Sherloc (09022015). Collection method: clinical testing. Allele origin: germline.
Comment: This variant has not been reported in the literature in individuals affected with LMNA-related conditions. Advanced modeling of protein sequence and biophysical properties (such as structural, functional, and spatial information, amino acid conservation, physicochemical variation, residue mobility, and thermodynamic stability) performed at Invitae indicates that this missense variant is expected to disrupt LMNA protein function. This variant disrupts the p.Arg225 amino acid residue in LMNA. Other variant(s) that disrupt this residue have been determined to be pathogenic (PMID: 22431096, 28688748). This suggests that this residue is clinically significant, and that variants that disrupt this residue are likely to be disease-causing. In summary, the currently available evidence indicates that the variant is pathogenic, but additional data are needed to prove that conclusively. Therefore, this variant has been classified as Likely Pathogenic. This variant is not present in population databases (gnomAD no frequency). This sequence change replaces arginine, which is basic and polar, with proline, which is neutral and non-polar, at codon 225 of the LMNA protein (p.Arg225Pro).

Literature cited by the submitters: PubMed 22431096; PubMed 28688748.